The following is an entry in ClinVar:

ClinVar aggregate classification (germline): Uncertain significance (1 of 4 stars; one submission).

Allele frequency attached by ClinVar (database versions not stated): TOPMed 0.00001.
gnomAD v4.1: 1 of 1,613,294 alleles (0.000062%); highest among the groups gnomAD compares: Non-Finnish European, 0.000085%; no homozygotes.

Submission:

Labcorp Genetics (formerly Invitae), Labcorp
Classification: Uncertain significance. Last evaluated: 2023-04-25. Review status: criteria provided, single submitter. Criteria: Invitae Variant Classification Sherloc (09022015). Collection method: clinical testing. Allele origin: germline.
Comment: This variant has not been reported in the literature in individuals affected with CREB3L3-related conditions. ClinVar contains an entry for this variant (Variation ID: 1960965). Advanced modeling of protein sequence and biophysical properties (such as structural, functional, and spatial information, amino acid conservation, physicochemical variation, residue mobility, and thermodynamic stability) performed at Invitae indicates that this missense variant is not expected to disrupt CREB3L3 protein function. In summary, the available evidence is currently insufficient to determine the role of this variant in disease. Therefore, it has been classified as a Variant of Uncertain Significance. This variant is not present in population databases (gnomAD no frequency). This sequence change replaces proline, which is neutral and non-polar, with threonine, which is neutral and polar, at codon 386 of the CREB3L3 protein (p.Pro386Thr).

NM_032607.3(CREB3L3):c.1156C>A (p.Pro386Thr)

Genes: CREB3L3 (cAMP responsive element binding protein 3 like 3; plus strand), LOC125371455 (Sharpr-MPRA regulatory region 11650; plus strand). Cytogenetic location: 19p13.3.
Variant type: single nucleotide variant.
Coding change: c.1156C>A on transcript NM_032607.3 (MANE Select); coding-DNA position 1156, C replaced by A.
Protein change: p.Pro386Thr; replaces proline 386 with threonine.
Molecular consequence: missense variant. On other transcripts: 3 prime UTR variant (1).
Genome position (GRCh38, 1-based): chr19:4,171,739, C>A. VCF-style: chr19-4171739-C-A. GRCh37 (hg19) VCF-style: chr19-4171736-C-A.
Other names: c.1153C>A, p.Pro385Thr (NM_001271995.2); c.1150C>A, p.Pro384Thr (NM_001271996.2); c.*35C>A (NM_001271997.2); short protein forms P386T, P384T, P385T.
Identifiers: ClinVar variation 1960965 (VCV001960965.5), dbSNP rs1224643072, ClinGen allele CA403410077.